The following is an entry in ClinVar:

ClinVar aggregate classification (germline): Uncertain significance. Review status: criteria provided, multiple submitters, no conflicts (2 of 4 stars). 2 submissions from 2 submitters: Uncertain significance (2). Last evaluated 2022-02-24.

Conditions:
Hereditary cancer-predisposing syndrome. Also called: Tumor predisposition; Hereditary Cancer Syndrome; Hereditary neoplastic syndrome; Neoplastic Syndromes, Hereditary. Identifiers: Orphanet 140162, MedGen C0027672, MeSH D009386, MONDO:0015356.
POLD1-related polyposis and colorectal cancer syndrome (CRCS10). Also called: Colorectal cancer 10; COLORECTAL CANCER, SUSCEPTIBILITY TO, ON CHROMOSOME 19q; Colorectal cancer, susceptibility to, 10. Identifiers: Orphanet 220460, MedGen C2675481, MONDO:0012953, OMIM 612591.

Allele frequency attached by ClinVar (database versions not stated): gnomAD exomes below 0.00001 and 0.00001.
gnomAD v4.1: 1 of 1,562,836 alleles (0.000064%); highest among the groups gnomAD compares: East Asian, 0.0024%; no homozygotes.

Submissions (2):

Labcorp Genetics (formerly Invitae), Labcorp
Classification: Uncertain significance for POLD1-related polyposis and colorectal cancer syndrome. Last evaluated: 2022-02-24. Review status: criteria provided, single submitter. Criteria: Invitae Variant Classification Sherloc (09022015). Collection method: clinical testing. Allele origin: germline.
Comment: This sequence change replaces valine, which is neutral and non-polar, with methionine, which is neutral and non-polar, at codon 368 of the POLD1 protein (p.Val368Met). In summary, the available evidence is currently insufficient to determine the role of this variant in disease. Therefore, it has been classified as a Variant of Uncertain Significance. Algorithms developed to predict the effect of missense changes on protein structure and function are either unavailable or do not agree on the potential impact of this missense change (SIFT: "Deleterious"; PolyPhen-2: "Probably Damaging"; Align-GVGD: "Class C0"). ClinVar contains an entry for this variant (Variation ID: 1045208). This variant has not been reported in the literature in individuals affected with POLD1-related conditions. The frequency data for this variant in the population databases is considered unreliable, as metrics indicate poor data quality at this position in the gnomAD database.

Ambry Genetics
Classification: Uncertain significance for Hereditary cancer-predisposing syndrome. Last evaluated: 2020-11-27. Review status: criteria provided, single submitter. Criteria: Ambry Variant Classification Scheme 2023. Collection method: clinical testing. Allele origin: germline.
Comment: The p.V368M variant (also known as c.1102G>A), located in coding exon 8 of the POLD1 gene, results from a G to A substitution at nucleotide position 1102. The valine at codon 368 is replaced by methionine, an amino acid with highly similar properties. This amino acid position is not well conserved in available vertebrate species. In addition, this alteration is predicted to be tolerated by in silico analysis. Since supporting evidence is limited at this time, the clinical significance of this alteration remains unclear.

NM_002691.4(POLD1):c.1102G>A (p.Val368Met)

Gene: POLD1 (DNA polymerase delta 1, catalytic subunit; plus strand). Cytogenetic location: 19q13.33.
Variant type: single nucleotide variant.
Coding change: c.1102G>A on transcript NM_002691.4 (MANE Select); coding-DNA position 1102, G replaced by A.
Protein change: p.Val368Met; replaces valine 368 with methionine.
Molecular consequence: missense variant. On other transcripts: non-coding transcript variant (1).
Genome position (GRCh38, 1-based): chr19:50,403,184, G>A. VCF-style: chr19-50403184-G-A. GRCh37 (hg19) VCF-style: chr19-50906441-G-A.
Other names: c.1102G>A, p.Val368Met (NM_001256849.1, NM_001308632.1); short protein forms V368M.
Identifiers: ClinVar variation 1045208 (VCV001045208.11), dbSNP rs1172211460, ClinGen allele CA406978327.
Genomic context (GRCh38, chr19:50,403,184, plus strand): 5'-GAGCCCTTCCTACGCCTGGCGCTCACCCTGCGGCCCTGTGCCCCCATCCTGGGTGCCAAG[G>A]TGCAGAGCTACGAGAAGGAGGAGGACCTGCTGCAGGTAGCTCTCGCTCCACGCCCCACAC-3'
Protein context (NP_002682.2, residues 358-378): RPCAPILGAK[Val368Met]QSYEKEEDLL